The following is an entry in ClinVar:

ClinVar aggregate classification (germline): Uncertain significance. Review status: criteria provided, multiple submitters, no conflicts (2 of 4 stars). 2 submissions from 2 submitters: Uncertain significance (2). Last evaluated 2025-04-30.

Conditions:
Inborn genetic diseases. Identifiers: MedGen C0950123, MeSH D030342.
Joubert syndrome. Also called: JOUBERT-BOLTSHAUSER SYNDROME; Familial aplasia of the vermis. Identifiers: Orphanet 475, MedGen C5979921, MONDO:0018772.
Meckel-Gruber syndrome. Also called: Dysencephalia splachnocystica; DYSENCEPHALIA SPLANCHNOCYSTICA; GRUBER SYNDROME. Identifiers: Orphanet 564, MedGen C0265215, MONDO:0018921.

Allele frequency attached by ClinVar (database versions not stated): gnomAD 0.00001; gnomAD exomes 0.00001 and 0.00002; TOPMed 0.00001; ExAC 0.00002.

Submissions (2):

Ambry Genetics
Classification: Uncertain significance for Inborn genetic diseases. Last evaluated: 2025-04-30. Review status: criteria provided, single submitter. Criteria: Ambry Variant Classification Scheme 2023. Collection method: clinical testing. Allele origin: germline.

Labcorp Genetics (formerly Invitae), Labcorp
Classification: Uncertain significance for Joubert syndrome; Meckel-Gruber syndrome. Last evaluated: 2022-09-27. Review status: criteria provided, single submitter. Criteria: Invitae Variant Classification Sherloc (09022015). Collection method: clinical testing. Allele origin: germline.
Comment: This sequence change replaces aspartic acid, which is acidic and polar, with asparagine, which is neutral and polar, at codon 263 of the CC2D2A protein (p.Asp263Asn). This variant is present in population databases (rs747042723, gnomAD 0.01%). This variant has not been reported in the literature in individuals affected with CC2D2A-related conditions. ClinVar contains an entry for this variant (Variation ID: 1014503). Advanced modeling of protein sequence and biophysical properties (such as structural, functional, and spatial information, amino acid conservation, physicochemical variation, residue mobility, and thermodynamic stability) performed at Invitae indicates that this missense variant is not expected to disrupt CC2D2A protein function. In summary, the available evidence is currently insufficient to determine the role of this variant in disease. Therefore, it has been classified as a Variant of Uncertain Significance.

NM_001378615.1(CC2D2A):c.787G>A (p.Asp263Asn)

Genes: CC2D2A (coiled-coil and C2 domain containing 2A; plus strand), FBXL5 (F-box and leucine rich repeat protein 5; minus strand). Cytogenetic location: 4p15.32.
Variant type: single nucleotide variant.
Coding change: c.787G>A on transcript NM_001378615.1 (MANE Select); coding-DNA position 787, G replaced by A.
Protein change: p.Asp263Asn; replaces aspartic acid 263 with asparagine.
Molecular consequence: missense variant.
Genome position (GRCh38, 1-based): chr4:15,514,776, G>A. VCF-style: chr4-15514776-G-A. GRCh37 (hg19) VCF-style: chr4-15516399-G-A.
Other names: c.787G>A, p.Asp263Asn (NM_001080522.2); c.640G>A, p.Asp214Asn (NM_001378617.1); short protein forms D214N, D263N.
Identifiers: ClinVar variation 1014503 (VCV001014503.7), dbSNP rs747042723, ClinGen allele CA2863496.